The following is an entry in ClinVar:

NM_000059.4(BRCA2):c.4558A>G (p.Thr1520Ala)

Gene: BRCA2 (BRCA2 DNA repair associated; plus strand). Cytogenetic location: 13q13.1.
Variant type: single nucleotide variant.
Coding change: c.4558A>G on transcript NM_000059.4 (MANE Select); coding-DNA position 4558, A replaced by G.
Protein change: p.Thr1520Ala; replaces threonine 1520 with alanine.
Molecular consequence: missense variant.
Genome position (GRCh38, 1-based): chr13:32,338,913, A>G. VCF-style: chr13-32338913-A-G. GRCh37 (hg19) VCF-style: chr13-32913050-A-G.
Other names: short protein forms T1520A.
Identifiers: ClinVar variation 51673 (VCV000051673.15), dbSNP rs80358690, ClinGen allele CA020437.

ClinVar aggregate classification (germline): Conflicting classifications of pathogenicity. Review status: criteria provided, conflicting classifications (1 of 4 stars). 4 submissions from 4 submitters: Uncertain significance (2); Likely benign (1). 1 of the submissions does not count toward it. Last evaluated 2023-03-23.

Conditions:
Hereditary cancer-predisposing syndrome. Also called: Neoplastic Syndromes, Hereditary; Tumor predisposition; Hereditary Cancer Syndrome; Hereditary neoplastic syndrome. Identifiers: Orphanet 140162, MedGen C0027672, MeSH D009386, MONDO:0015356.
Hereditary breast ovarian cancer syndrome. Also called: Hereditary breast and ovarian cancer syndrome; Hereditary breast and ovarian cancer; Hereditary breast and ovarian cancer syndrome (HBOC); Breast and ovarian cancer; Hereditary breast and/or ovarian cancer syndrome; BRCA1- and BRCA2-Associated Hereditary Breast and Ovarian Cancer. Identifiers: Orphanet 145, MedGen C0677776, MeSH D061325, MONDO:0003582. Disease mechanism: loss of function.
Breast-ovarian cancer, familial, susceptibility to, 2 (BROVCA2). Also called: BRCA2 Hereditary Breast and Ovarian Cancer. Identifiers: Orphanet 145, MedGen C2675520, MONDO:0012933, OMIM 612555. Disease mechanism: loss of function.

Allele frequency attached by ClinVar (database versions not stated): gnomAD exomes below 0.00001.
gnomAD v4.1: 1 of 1,613,932 alleles (0.000062%); highest among the groups gnomAD compares: Non-Finnish European, 0.000085%; no homozygotes.

Submissions (4):

University of Washington Department of Laboratory Medicine, University of Washington
Classification: Likely benign for Hereditary cancer-predisposing syndrome. Last evaluated: 2023-03-23. Review status: criteria provided, single submitter. Criteria: Dines et al. (Genet Med. 2020). Collection method: curation. Allele origin: germline.
Comment: Missense variant in a coldspot region where missense variants are very unlikely to be pathogenic (PMID:31911673).

BRCA2 exon 11 coldspot. Reclassification based on statistical prior probability.

Labcorp Genetics (formerly Invitae), Labcorp
Classification: Uncertain significance for Hereditary breast ovarian cancer syndrome. Last evaluated: 2020-10-01. Review status: criteria provided, single submitter. Criteria: Invitae Variant Classification Sherloc (09022015). Collection method: clinical testing. Allele origin: germline.
Comment: This sequence change replaces threonine with alanine at codon 1520 of the BRCA2 protein (p.Thr1520Ala). The threonine residue is weakly conserved and there is a small physicochemical difference between threonine and alanine. This variant is not present in population databases (ExAC no frequency). This variant has not been reported in the literature in individuals with BRCA2-related conditions. ClinVar contains an entry for this variant (Variation ID: 51673). Advanced modeling of protein sequence and biophysical properties (such as structural, functional, and spatial information, amino acid conservation, physicochemical variation, residue mobility, and thermodynamic stability) performed at Invitae indicates that this missense variant is not expected to disrupt BRCA2 protein function. In summary, the available evidence is currently insufficient to determine the role of this variant in disease. Therefore, it has been classified as a Variant of Uncertain Significance.

GeneDx
Classification: Uncertain significance. Last evaluated: 2016-11-17. Review status: criteria provided, single submitter. Criteria: GeneDx Variant Classification (06012015). Collection method: clinical testing. Allele origin: germline. Affected: yes.
Comment: This variant is denoted BRCA2 c.4558A>G at the cDNA level, p.Thr1520Ala (T1520A) at the protein level, and results in the change of a Threonine to an Alanine (ACT>GCT). Using alternate nomenclature, this variant would be defined as BRCA2 4786A>G. This variant was reported in an apparently homozygous state in an individual with a personal and/or family history of breast and/or ovarian cancer; however, specific clinical details for this individual were not provided (Hernan 2012). BRCA2 Thr1520Ala was not observed in approximately 6,500 individuals of European and African American ancestry in the NHLBI Exome Sequencing Project, suggesting it is not a common benign variant in these populations. Since Threonine and Alanine differ in polarity, charge, size or other properties, this is considered a non-conservative amino acid substitution. BRCA2 Thr1520Ala occurs at a position that is not conserved and is located within the BRC4 domain and the binding domain of POLH and RAD51 (Cole 2011, Buisson 2014). In silico analyses are inconsistent regarding the effect this variant may have on protein structure and function. Based on currently available evidence, it is unclear whether BRCA2 Thr1520Ala is a pathogenic or benign variant. We consider it to be a variant of uncertain significance.

Breast Cancer Information Core (BIC) (BRCA2)
Classification: Uncertain significance for Breast-ovarian cancer, familial 2. Last evaluated: 2003-12-23. Review status: no assertion criteria provided. Collection method: clinical testing. Allele origin: germline. Affected: yes. Observed: 1 variant allele. Not counted in ClinVar's aggregate classification.